The following is an entry in ClinVar:

NM_017514.5(PLXNA3):c.3000C>T (p.Pro1000=)

Gene: PLXNA3 (plexin A3; plus strand). Cytogenetic location: Xq28.
Variant type: single nucleotide variant.
Coding change: c.3000C>T on transcript NM_017514.5 (MANE Select); coding-DNA position 3000, C replaced by T.
Protein change: p.Pro1000=; no amino-acid change (proline 1000 retained).
Molecular consequence: synonymous variant.
Genome position (GRCh38, 1-based): chrX:154,466,686, C>T. VCF-style: chrX-154466686-C-T. GRCh37 (hg19) VCF-style: chrX-153695029-C-T.
Identifiers: ClinVar variation 4982913 (VCV004982913.1).
Genomic context (GRCh38, chrX:154,466,686, plus strand): 5'-AGATGCCAAGGCGATCGTGTGCATCTCACCTCTCTCCACCCTGGGCCCCAGCCAGGCCCC[C>T]ATCACACTTGCCATTGACCGGGCTAACATCTCCAGCCCCGGGCTCATCTACACCTACACT-3'
Protein context (NP_059984.3, residues 990-1010): PLSTLGPSQA[Pro1000=]ITLAIDRANI

ClinVar aggregate classification (germline): Likely benign (1 of 4 stars; one submission).

Conditions:
PLXNA3-related disorder. Also called: PLXNA3-related condition.

gnomAD v4.1: 1 of 1,201,939 alleles (0.000083%); highest among the groups gnomAD compares: Non-Finnish European, 0.00011%; no homozygotes.

Submission:

PreventionGenetics, part of Exact Sciences
Classification: Likely benign for PLXNA3-related condition. Last evaluated: 2025-12-19. Review status: criteria provided, single submitter. Criteria: ACMG Guidelines, 2015. Collection method: clinical testing. Allele origin: germline.
Comment: This variant is classified as likely benign based on ACMG/AMP sequence variant interpretation guidelines (Richards et al. 2015 PMID: 25741868, with internal and published modifications).